The following is an entry in ClinVar:

ClinVar aggregate classification (germline): Uncertain significance (1 of 4 stars; one submission).

Conditions:
Hereditary cancer-predisposing syndrome. Also called: Tumor predisposition; Hereditary Cancer Syndrome; Hereditary neoplastic syndrome; Neoplastic Syndromes, Hereditary. Identifiers: Orphanet 140162, MedGen C0027672, MeSH D009386, MONDO:0015356.

Submission:

Ambry Genetics
Classification: Uncertain significance for Hereditary cancer-predisposing syndrome. Last evaluated: 2023-07-27. Review status: criteria provided, single submitter. Criteria: Ambry Variant Classification Scheme 2023. Collection method: clinical testing. Allele origin: germline.
Comment: The p.E332D variant (also known as c.996G>T), located in coding exon 10 of the TSC2 gene, results from a G to T substitution at nucleotide position 996. The glutamic acid at codon 332 is replaced by aspartic acid, an amino acid with highly similar properties. This amino acid position is conserved. In addition, the in silico prediction for this alteration is inconclusive. Since supporting evidence is limited at this time, the clinical significance of this alteration remains unclear.

NM_000548.5(TSC2):c.996G>T (p.Glu332Asp)

Gene: TSC2 (TSC complex subunit 2; plus strand). Cytogenetic location: 16p13.3.
Variant type: single nucleotide variant.
Coding change: c.996G>T on transcript NM_000548.5 (MANE Select); coding-DNA position 996, G replaced by T.
Protein change: p.Glu332Asp; replaces glutamic acid 332 with aspartic acid.
Molecular consequence: missense variant. On other transcripts: 5 prime UTR variant (10), non-coding transcript variant (5).
Genome position (GRCh38, 1-based): chr16:2,060,690, G>T. VCF-style: chr16-2060690-G-T. GRCh37 (hg19) VCF-style: chr16-2110691-G-T.
Other names: c.996G>T, p.Glu332Asp (NM_001077183.3, NM_001114382.3, NM_001363528.2 and 6 more transcripts); c.885G>T, p.Glu295Asp (NM_001318827.2, NM_001406670.1, NM_001406678.1); c.849G>T, p.Glu283Asp (NM_001318829.2, NM_001406675.1, NM_001406676.1 and 1 more transcripts); c.396G>T, p.Glu132Asp (NM_001318831.2, NM_001406680.1, NM_001406682.1 and 6 more transcripts); c.1029G>T, p.Glu343Asp (NM_001318832.2); c.1086G>T, p.Glu362Asp (NM_001406667.1, NM_001406668.1); c.984G>T, p.Glu328Asp (NM_001406671.1, NM_001406673.1); c.939G>T, p.Glu313Asp (NM_001406677.1); and 4 more; short protein forms E132D, E178D, E295D, E343D, E362D, E283D, E313D, E328D.
Identifiers: ClinVar variation 2626431 (VCV002626431.2), dbSNP rs757788971, ClinGen allele CA394317304.
Genomic context (GRCh38, chr16:2,060,690, plus strand): 5'-GCAGCTCTGACCCTGTGTGCTGGCCGGGCTCGTGTTCCAGGCCATGGCATGTCCGAACGA[G>T]GTGGTGTCCTATGAGATCGTCCTGTCCATCACCAGGCTCATCAAGAAGTATAGGAAGGAG-3'
Protein context (NP_000539.2, residues 322-342): SFYQAMACPN[Glu332Asp]VVSYEIVLSI